The following is an entry in ClinVar:

ClinVar aggregate classification (germline): Likely benign (0 of 4 stars; one submission).

Conditions:
PLCD1-related disorder. Also called: PLCD1-related condition.

Allele frequency attached by ClinVar (database versions not stated): ExAC 0.00001; gnomAD 0.00003; TOPMed 0.00003; ESP Exome Variant Server 0.00008.
gnomAD v4.1: 84 of 1,614,072 alleles (0.0052%); highest among the groups gnomAD compares: Non-Finnish European, 0.0064%; no homozygotes.

Submission:

PreventionGenetics, part of Exact Sciences
Classification: Likely benign for PLCD1-related condition. Last evaluated: 2020-02-25. Review status: no assertion criteria provided. Collection method: clinical testing. Allele origin: germline.
Comment: This variant is classified as likely benign based on ACMG/AMP sequence variant interpretation guidelines (Richards et al. 2015 PMID: 25741868, with internal and published modifications).

NM_006225.4(PLCD1):c.993-4G>A

Gene: PLCD1 (phospholipase C delta 1; minus strand). Cytogenetic location: 3p22.2.
Variant type: single nucleotide variant.
Coding change: c.993-4G>A on transcript NM_006225.4 (MANE Select); 4 bases into the intron before coding-DNA position 993, G replaced by A.
Molecular consequence: intron variant.
Genome position (GRCh38, 1-based): chr3:38,010,279, C>T on the plus strand (G>A on the coding strand, the complement: PLCD1 is on the minus strand). VCF-style: chr3-38010279-C-T. GRCh37 (hg19) VCF-style: chr3-38051770-C-T.
Other names: c.1056-4G>A (NM_001130964.2).
Identifiers: ClinVar variation 3051795 (VCV003051795.2), dbSNP rs375837446, ClinGen allele CA2313179.